The following is an entry in ClinVar:

NM_001278064.2(GRM1):c.404A>T (p.Asp135Val)

Gene: GRM1 (glutamate metabotropic receptor 1; plus strand). Cytogenetic location: 6q24.3.
Variant type: single nucleotide variant.
Coding change: c.404A>T on transcript NM_001278064.2 (MANE Select); coding-DNA position 404, A replaced by T.
Protein change: p.Asp135Val; replaces aspartic acid 135 with valine.
Molecular consequence: missense variant.
Genome position (GRCh38, 1-based): chr6:146,029,921, A>T. VCF-style: chr6-146029921-A-T. GRCh37 (hg19) VCF-style: chr6-146351057-A-T.
Other names: c.404A>T, p.Asp135Val (NM_001278065.2, NM_001278066.1, NM_001278067.1); short protein forms D135V.
Identifiers: ClinVar variation 4847583 (VCV004847583.1).

ClinVar aggregate classification (germline): Uncertain significance (1 of 4 stars; one submission).

Submission:

Women's Health and Genetics/Laboratory Corporation of America, LabCorp
Classification: Uncertain significance. Last evaluated: 2026-03-02. Review status: criteria provided, single submitter. Criteria: LabCorp Variant Classification Summary - May 2015. Collection method: clinical testing. Allele origin: germline.
Comment: Variant summary: GRM1 c.404A>T (p.Asp135Val) results in a non-conservative amino acid change in the encoded protein sequence. Algorithms developed to predict the effect of missense changes on protein structure and function all suggest that this variant is likely to be disruptive. The variant was absent in 251486 control chromosomes. The available data on variant occurrences in the general population are insufficient to allow any conclusion about variant significance. To our knowledge, no occurrence of c.404A>T in individuals affected with GRM1-related conditions and no experimental evidence demonstrating its impact on protein function have been reported. No submitters have cited clinical-significance assessments for this variant to ClinVar. Based on the evidence outlined above, the variant was classified as uncertain significance.